The following is an entry in ClinVar:

ClinVar aggregate classification (germline): Uncertain significance. Review status: criteria provided, multiple submitters, no conflicts (2 of 4 stars). 2 submissions from 2 submitters: Uncertain significance (2). Last evaluated 2025-10-15.

Allele frequency attached by ClinVar (database versions not stated): gnomAD exomes 0.00001 and 0.00002; ExAC 0.00002; gnomAD 0.00003; TOPMed 0.00007.
gnomAD v4.1: 27 of 1,612,816 alleles (0.0017%); highest among the groups gnomAD compares: Middle Eastern, 0.016%; no homozygotes.

Submissions (2):

Ambry Genetics
Classification: Uncertain significance. Last evaluated: 2025-10-15. Review status: criteria provided, single submitter. Criteria: Ambry Variant Classification Scheme 2023. Collection method: clinical testing. Allele origin: germline.

Labcorp Genetics (formerly Invitae), Labcorp
Classification: Uncertain significance. Last evaluated: 2025-01-13. Review status: criteria provided, single submitter. Criteria: Invitae Variant Classification Sherloc (09022015). Collection method: clinical testing. Allele origin: germline.
Comment: This sequence change replaces proline, which is neutral and non-polar, with leucine, which is neutral and non-polar, at codon 318 of the KIZ protein (p.Pro318Leu). This variant is present in population databases (rs772213549, gnomAD 0.006%). This variant has not been reported in the literature in individuals affected with KIZ-related conditions. ClinVar contains an entry for this variant (Variation ID: 1019067). Experimental studies and prediction algorithms are not available or were not evaluated, and the functional significance of this variant is currently unknown. In summary, the available evidence is currently insufficient to determine the role of this variant in disease. Therefore, it has been classified as a Variant of Uncertain Significance.

NM_018474.6(KIZ):c.953C>T (p.Pro318Leu)

Gene: KIZ (kizuna centrosomal protein; plus strand). Cytogenetic location: 20p11.23.
Variant type: single nucleotide variant.
Coding change: c.953C>T on transcript NM_018474.6 (MANE Select); coding-DNA position 953, C replaced by T.
Protein change: p.Pro318Leu; replaces proline 318 with leucine.
Molecular consequence: missense variant.
Genome position (GRCh38, 1-based): chr20:21,162,418, C>T. VCF-style: chr20-21162418-C-T. GRCh37 (hg19) VCF-style: chr20-21143059-C-T.
Other names: c.644C>T, p.Pro215Leu (NM_001163022.3, NM_001352435.2); c.554C>T, p.Pro185Leu (NM_001163023.3); c.806C>T, p.Pro269Leu (NM_001276389.2); c.953C>T, p.Pro318Leu (NM_001352434.2); c.611C>T, p.Pro204Leu (NM_001352436.2); c.953C>T (NM_018474.4); short protein forms P185L, P204L, P215L, P269L, P318L.
Identifiers: ClinVar variation 1019067 (VCV001019067.9), dbSNP rs772213549, ClinGen allele CA9784744.